The following is an entry in ClinVar:

NM_001377229.1(DISP1):c.2564C>T (p.Thr855Ile)

Gene: DISP1 (dispatched RND transporter family member 1; plus strand). Cytogenetic location: 1q41.
Variant type: single nucleotide variant.
Coding change: c.2564C>T on transcript NM_001377229.1 (MANE Select); coding-DNA position 2564, C replaced by T.
Protein change: p.Thr855Ile; replaces threonine 855 with isoleucine.
Molecular consequence: missense variant.
Genome position (GRCh38, 1-based): chr1:223,003,961, C>T. VCF-style: chr1-223003961-C-T. GRCh37 (hg19) VCF-style: chr1-223177303-C-T.
Other names: c.1835C>T, p.Thr612Ile (NM_001350630.2); c.2564C>T, p.Thr855Ile (NM_001369594.1, NM_001377228.1, NM_032890.5); short protein forms T612I, T855I.
Identifiers: ClinVar variation 1507971 (VCV001507971.6), dbSNP rs2102802829, ClinGen allele CA344682163.

ClinVar aggregate classification (germline): Uncertain significance (1 of 4 stars; one submission).

Allele frequency attached by ClinVar (database versions not stated): gnomAD exomes below 0.00001.
gnomAD v4.1: 1 of 1,614,174 alleles (0.000062%); highest among the groups gnomAD compares: Non-Finnish European, 0.000085%; no homozygotes.

Submission:

Labcorp Genetics (formerly Invitae), Labcorp
Classification: Uncertain significance. Last evaluated: 2021-11-12. Review status: criteria provided, single submitter. Criteria: Invitae Variant Classification Sherloc (09022015). Collection method: clinical testing. Allele origin: germline.
Comment: This sequence change replaces threonine, which is neutral and polar, with isoleucine, which is neutral and non-polar, at codon 855 of the DISP1 protein (p.Thr855Ile). This variant is not present in population databases (gnomAD no frequency). This variant has not been reported in the literature in individuals affected with DISP1-related conditions. Algorithms developed to predict the effect of missense changes on protein structure and function are either unavailable or do not agree on the potential impact of this missense change (SIFT: "Deleterious"; PolyPhen-2: "Benign"; Align-GVGD: "Class C15"). In summary, the available evidence is currently insufficient to determine the role of this variant in disease. Therefore, it has been classified as a Variant of Uncertain Significance.